The following is an entry in ClinVar:

ClinVar aggregate classification (germline): Uncertain significance (1 of 4 stars; one submission).

Submission:

Labcorp Genetics (formerly Invitae), Labcorp
Classification: Uncertain significance. Last evaluated: 2023-06-22. Review status: criteria provided, single submitter. Criteria: Invitae Variant Classification Sherloc (09022015). Collection method: clinical testing. Allele origin: germline.
Comment: This sequence change replaces valine, which is neutral and non-polar, with alanine, which is neutral and non-polar, at codon 450 of the LRRC8A protein (p.Val450Ala). This variant is not present in population databases (gnomAD no frequency). This variant has not been reported in the literature in individuals affected with LRRC8A-related conditions. An algorithm developed to predict the effect of missense changes on protein structure and function (PolyPhen-2) suggests that this variant is likely to be disruptive. In summary, the available evidence is currently insufficient to determine the role of this variant in disease. Therefore, it has been classified as a Variant of Uncertain Significance.

NM_019594.4(LRRC8A):c.1349T>C (p.Val450Ala)

Gene: LRRC8A (leucine rich repeat containing 8 VRAC subunit A; plus strand). Cytogenetic location: 9q34.11.
Variant type: single nucleotide variant.
Coding change: c.1349T>C on transcript NM_019594.4 (MANE Select); coding-DNA position 1349, T replaced by C.
Protein change: p.Val450Ala; replaces valine 450 with alanine.
Molecular consequence: missense variant.
Genome position (GRCh38, 1-based): chr9:128,908,513, T>C. VCF-style: chr9-128908513-T-C. GRCh37 (hg19) VCF-style: chr9-131670792-T-C.
Other names: c.1349T>C, p.Val450Ala (NM_001127244.2, NM_001127245.2); short protein forms V450A.
Identifiers: ClinVar variation 2724063 (VCV002724063.3), dbSNP rs2491876251, ClinGen allele CA375080668.